The following is an entry in ClinVar:

ClinVar aggregate classification (germline): Likely benign (1 of 4 stars; one submission).

Conditions:
CACNA1C-related disorder. Also called: CACNA1C-related condition; CACNA1C-related disorders. Identifiers: MedGen CN381092, MONDO:0700321.

gnomAD v4.1: 27 of 1,536,512 alleles (0.0018%); highest among the groups gnomAD compares: Admixed American, 0.033%; no homozygotes.

Submission:

PreventionGenetics, part of Exact Sciences
Classification: Likely benign for CACNA1C-related condition. Last evaluated: 2026-05-11. Review status: criteria provided, single submitter. Criteria: ACMG Guidelines, 2015. Collection method: clinical testing. Allele origin: germline.
Comment: This variant is classified as likely benign based on ACMG/AMP sequence variant interpretation guidelines (Richards et al. 2015 PMID: 25741868, with internal and published modifications).

NM_000719.7(CACNA1C):c.*5C>T

Gene: CACNA1C (calcium voltage-gated channel subunit alpha1 C; plus strand). Cytogenetic location: 12p13.33.
Variant type: single nucleotide variant.
Coding change: c.*5C>T on transcript NM_000719.7 (MANE Select); 5 bases downstream of the stop codon, C replaced by T.
Molecular consequence: 3 prime UTR variant.
Genome position (GRCh38, 1-based): chr12:2,691,204, C>T. VCF-style: chr12-2691204-C-T. GRCh37 (hg19) VCF-style: chr12-2800370-C-T.
Other names: c.*5C>T (NM_001129827.2, NM_001129829.2, NM_001129830.3 and 19 more transcripts).
Identifiers: ClinVar variation 4978671 (VCV004978671.1).